The following is an entry in ClinVar:

ClinVar aggregate classification (germline): Likely benign. Review status: criteria provided, multiple submitters, no conflicts (2 of 4 stars). 3 submissions from 3 submitters: Likely benign (2). 1 of the submissions does not count toward it. Last evaluated 2018-03-30.

Conditions:
DROSHA-related disorder. Also called: DROSHA-related condition.

Allele frequency attached by ClinVar (database versions not stated): 1000 Genomes Project 0.00020; 1000 Genomes Project 30x 0.00047; TOPMed 0.00247; gnomAD 0.00277 and 0.00279; ESP Exome Variant Server 0.00360; gnomAD exomes 0.00367 and 0.00410; ExAC 0.00468.
gnomAD v4.1: 6,307 of 1,597,290 alleles (0.39%); highest among the groups gnomAD compares: Non-Finnish European, 0.46%; 15 homozygotes.

Submissions (3):

Labcorp Genetics (formerly Invitae), Labcorp
Classification: Likely benign. Last evaluated: 2018-03-30. Review status: criteria provided, single submitter. Criteria: Invitae Variant Classification Sherloc (09022015). Collection method: clinical testing. Allele origin: germline.

Breakthrough Genomics
Classification: Likely benign. Review status: criteria provided, single submitter. Criteria: ACMG Guidelines, 2015. Collection method: not provided. Allele origin: germline. Inheritance: Unknown mechanism. Affected: yes.

PreventionGenetics, part of Exact Sciences
Classification: Likely benign for DROSHA-related condition. Last evaluated: 2023-11-28. Review status: no assertion criteria provided. Collection method: clinical testing. Allele origin: germline. Not counted in ClinVar's aggregate classification.
Comment: This variant is classified as likely benign based on ACMG/AMP sequence variant interpretation guidelines (Richards et al. 2015 PMID: 25741868, with internal and published modifications).

NM_001382508.1(DROSHA):c.166C>T (p.Pro56Ser)

Gene: DROSHA (drosha ribonuclease III; minus strand). Cytogenetic location: 5p13.3.
Variant type: single nucleotide variant.
Coding change: c.166C>T on transcript NM_001382508.1 (MANE Select); coding-DNA position 166, C replaced by T.
Protein change: p.Pro56Ser; replaces proline 56 with serine.
Molecular consequence: missense variant.
Genome position (GRCh38, 1-based): chr5:31,526,767, G>A on the plus strand (C>T on the coding strand, the complement: DROSHA is on the minus strand). VCF-style: chr5-31526767-G-A. GRCh37 (hg19) VCF-style: chr5-31526874-G-A.
Other names: c.166C>T, p.Pro56Ser (NM_001100412.2, NM_013235.5); short protein forms P56S.
Identifiers: ClinVar variation 787617 (VCV000787617.6), dbSNP rs201445638, ClinGen allele CA3218012.